The following is an entry in ClinVar:

NM_003738.5(PTCH2):c.1667G>A (p.Arg556Gln)

Gene: PTCH2 (patched 2; minus strand). Cytogenetic location: 1p34.1.
Variant type: single nucleotide variant.
Coding change: c.1667G>A on transcript NM_003738.5 (MANE Select); coding-DNA position 1667, G replaced by A.
Protein change: p.Arg556Gln; replaces arginine 556 with glutamine.
Molecular consequence: missense variant.
Genome position (GRCh38, 1-based): chr1:44,828,338, C>T on the plus strand (G>A on the coding strand, the complement: PTCH2 is on the minus strand). VCF-style: chr1-44828338-C-T. GRCh37 (hg19) VCF-style: chr1-45294010-C-T.
Other names: c.1667G>A (NM_003738.4); c.1667G>A, p.Arg556Gln (NM_001166292.2); short protein forms R556Q.
Identifiers: ClinVar variation 999909 (VCV000999909.10), dbSNP rs538894363, ClinGen allele CA823215.

ClinVar aggregate classification (germline): Uncertain significance. Review status: criteria provided, multiple submitters, no conflicts (2 of 4 stars). 3 submissions from 3 submitters: Uncertain significance (3). Last evaluated 2024-05-28.

Conditions:
Gorlin syndrome. Also called: Basal cell nevus syndrome; Nevoid Basal Cell Carcinoma Syndrome. Identifiers: Orphanet 377, MedGen C0004779, MONDO:0007187.

Allele frequency attached by ClinVar (database versions not stated): gnomAD 0.00001 and 0.00004; gnomAD exomes 0.00001 and 0.00002; ExAC 0.00002; TOPMed 0.00003; 1000 Genomes Project 0.00020; 1000 Genomes Project 30x 0.00031.
gnomAD v4.1: 22 of 1,614,044 alleles (0.0014%); highest among the groups gnomAD compares: South Asian, 0.014%; 1 homozygote.

Submissions (3):

Ambry Genetics
Classification: Uncertain significance. Last evaluated: 2024-05-28. Review status: criteria provided, single submitter. Criteria: Ambry Variant Classification Scheme 2023. Collection method: clinical testing. Allele origin: germline.

St. Jude Molecular Pathology, St. Jude Children's Research Hospital
Classification: Uncertain significance for Basal cell nevus syndrome 1. Last evaluated: 2022-11-29. Review status: criteria provided, single submitter. Criteria: St. Jude Assertion Criteria 2020. Collection method: clinical testing. Allele origin: germline.
Comment: The PTCH2 c.1667G>A (p.Arg556Gln) missense change has a maximum subpopulation frequency of 0.0098% in gnomAD v2.1.1. The in silico tool REVEL predicts a deleterious effect on protein function, but to our knowledge this prediction has not been confirmed by functional studies. To our knowledge, this variant has not been reported in individuals with nevoid basal cell carcinoma syndrome.  In summary, the evidence currently available is insufficient to determine the clinical significance of this variant. It has therefore been classified as of uncertain significance.

Labcorp Genetics (formerly Invitae), Labcorp
Classification: Uncertain significance for Gorlin syndrome. Last evaluated: 2020-02-20. Review status: criteria provided, single submitter. Criteria: Invitae Variant Classification Sherloc (09022015). Collection method: clinical testing. Allele origin: germline.
Comment: In summary, the available evidence is currently insufficient to determine the role of this variant in disease. Therefore, it has been classified as a Variant of Uncertain Significance. Algorithms developed to predict the effect of sequence changes on RNA splicing suggest that this variant may create or strengthen a splice site, but this prediction has not been confirmed by published transcriptional studies. Algorithms developed to predict the effect of missense changes on protein structure and function are either unavailable or do not agree on the potential impact of this missense change (SIFT: "Deleterious"; PolyPhen-2: "Probably Damaging"; Align-GVGD: "Class C0"). This variant has not been reported in the literature in individuals with PTCH2-related conditions. This variant is present in population databases (rs538894363, ExAC 0.01%). This sequence change replaces arginine with glutamine at codon 556 of the PTCH2 protein (p.Arg556Gln). The arginine residue is highly conserved and there is a small physicochemical difference between arginine and glutamine.